The following is an entry in ClinVar:

NM_000219.6(KCNE1):c.283G>A (p.Val95Ile)

Gene: KCNE1 (potassium voltage-gated channel subfamily E regulatory subunit 1; minus strand). Cytogenetic location: 21q22.12.
Variant type: single nucleotide variant.
Coding change: c.283G>A on transcript NM_000219.6 (MANE Select); coding-DNA position 283, G replaced by A.
Protein change: p.Val95Ile; replaces valine 95 with isoleucine.
Molecular consequence: missense variant.
Genome position (GRCh38, 1-based): chr21:34,449,352, C>T on the plus strand (G>A on the coding strand, the complement: KCNE1 is on the minus strand). VCF-style: chr21-34449352-C-T. GRCh37 (hg19) VCF-style: chr21-35821650-C-T.
Other names: c.283G>A, p.Val95Ile (NM_001127668.4, NM_001127669.4, NM_001127670.4 and 4 more transcripts); short protein forms V95I.
Identifiers: ClinVar variation 1039002 (VCV001039002.12), dbSNP rs772405174, ClinGen allele CA320425184.

ClinVar aggregate classification (germline): Uncertain significance. Review status: criteria provided, multiple submitters, no conflicts (2 of 4 stars). 2 submissions from 2 submitters: Uncertain significance (2). Last evaluated 2025-10-13.

Conditions:
Long QT syndrome (LQTS). Identifiers: MedGen C0023976, MeSH D008133, MONDO:0002442. Disease mechanism: loss of function. Inheritance: Various modes of inheritance.

Allele frequency attached by ClinVar (database versions not stated): gnomAD exomes below 0.00001; ExAC 0.00001.

Submissions (3):

Labcorp Genetics (formerly Invitae), Labcorp
Classification: Uncertain significance for Long QT syndrome. Last evaluated: 2025-10-13. Review status: criteria provided, single submitter. Criteria: Invitae Variant Classification Sherloc (09022015). Collection method: clinical testing. Allele origin: germline.
Comment: This sequence change replaces valine, which is neutral and non-polar, with isoleucine, which is neutral and non-polar, at codon 95 of the KCNE1 protein (p.Val95Ile). This variant is present in population databases (rs772405174, gnomAD 0.0009%). This variant has not been reported in the literature in individuals affected with KCNE1-related conditions. ClinVar contains an entry for this variant (Variation ID: 1039002). Invitae Evidence Modeling of protein sequence and biophysical properties (such as structural, functional, and spatial information, amino acid conservation, physicochemical variation, residue mobility, and thermodynamic stability) indicates that this missense variant is not expected to disrupt KCNE1 protein function with a negative predictive value of 95%. In summary, the available evidence is currently insufficient to determine the role of this variant in disease. Therefore, it has been classified as a Variant of Uncertain Significance.

GeneDx
Classification: Uncertain significance. Last evaluated: 2021-06-29. Review status: criteria provided, single submitter. Criteria: GeneDx Variant Classification Process June 2021. Collection method: clinical testing. Allele origin: germline. Affected: yes.
Comment: Not observed at a significant frequency in large population cohorts (Lek et al., 2016); In silico analysis supports that this missense variant does not alter protein structure/function; Has not been previously published as pathogenic or benign to our knowledge

Roden Lab, Vanderbilt University Medical Center
No classification provided (evidence only). Condition: Long QT syndrome 5. Review status: no classification provided. Collection method: in vitro. Allele origin: not applicable. Functional consequence: Effect on ion channel function. Not counted in ClinVar's aggregate classification.
ClinVar note: "not provided" was previously submitted as the classification for the variant. However, the classification appeared to be based only on an observation of functional data so it was converted to no classification on 2025-07-30.